The following is an entry in ClinVar:

NM_017636.4(TRPM4):c.1687CTT[3] (p.Leu564dup)

Gene: TRPM4 (transient receptor potential cation channel subfamily M member 4; plus strand). Cytogenetic location: 19q13.33.
Variant type: Microsatellite.
Coding change: c.1687CTT[3] on transcript NM_017636.4 (MANE Select); three copies in a row of the 3-base unit CTT starting at c.1687; the reference has two copies in a row; one copy, 3 bases duplicated; also written c.1690_1692dup.
Protein change: p.Leu564dup; duplicates leucine 564.
Molecular consequence: inframe insertion.
Genome position (GRCh38, 1-based): chr19:49,183,159-49,183,161, CTT duplicated; duplicating any 3 consecutive bases within chr19:49,183,156-49,183,161 gives the same sequence; the position shown is the placement nearest the transcript's 3' end. VCF-style (leftmost placement, unchanged base first): chr19-49183155-G-GCTT. GRCh37 (hg19) VCF-style: chr19-49686412-G-GCTT.
Other names: c.1690_1692dup (NM_017636.3); c.1687CTT[3], p.Leu564dup (NM_001195227.2); c.1342CTT[3], p.Leu449dup (NM_001321281.2); c.79CTT[3], p.Leu28dup (NM_001321282.2); c.1165CTT[3], p.Leu390dup (NM_001321283.2); c.625CTT[3], p.Leu210dup (NM_001321285.2); c.1690_1692dupCTT (NM_017636.4).
Identifiers: ClinVar variation 570406 (VCV000570406.38), dbSNP rs772690187, ClinGen allele CA9569277.
Genomic context (GRCh38, chr19:49,183,155, plus strand): 5'-CAAGGCCACCTCGCCGCTCTCGCTGGATGCTGGCCTCGGGCAGGCCCCCTGGAGCGACCT[G>GCTT]CTTCTTTGGGCACTGTTGCTGAACAGGGCACAGATGGCCATGTACTTCTGGGAGATGGTG-3'

ClinVar aggregate classification (germline): Conflicting classifications of pathogenicity. Review status: criteria provided, conflicting classifications (1 of 4 stars). 7 submissions from 7 submitters: Uncertain significance (4); Likely benign (3). Last evaluated 2026-01-27.

Conditions:
Cardiovascular phenotype. Identifiers: MedGen CN230736.
Progressive familial heart block type IB (PFHB1B). Identifiers: Orphanet 871, MedGen C1970298, MONDO:0011474, OMIM 604559.

Submissions (7):

Labcorp Genetics (formerly Invitae), Labcorp
Classification: Uncertain significance for Progressive familial heart block type IB. Last evaluated: 2026-01-27. Review status: criteria provided, single submitter. Criteria: Invitae Variant Classification Sherloc (09022015). Collection method: clinical testing. Allele origin: germline.
Comment: This variant, c.1690_1692dup, results in the insertion of 1 amino acid(s) of the TRPM4 protein (p.Leu564dup), but otherwise preserves the integrity of the reading frame. This variant is present in population databases (rs772690187, gnomAD 0.06%), and has an allele count higher than expected for a pathogenic variant. This variant has been observed in individual(s) with suffered sudden unexplained death (PMID: 30086531). ClinVar contains an entry for this variant (Variation ID: 570406). Experimental studies and prediction algorithms are not available or were not evaluated, and the functional significance of this variant is currently unknown. In summary, the available evidence is currently insufficient to determine the role of this variant in disease. Therefore, it has been classified as a Variant of Uncertain Significance.

CeGaT Center for Human Genetics Tuebingen
Classification: Likely benign. Last evaluated: 2025-11-01. Review status: criteria provided, single submitter. Criteria: CeGaT Center For Human Genetics Tuebingen Variant Classification Criteria Version 2. Collection method: clinical testing. Allele origin: germline. Affected: yes. Observed: 1 variant allele.
Comment: TRPM4: PM4:Supporting, BS2

Ambry Genetics
Classification: Uncertain significance for Cardiovascular phenotype. Last evaluated: 2025-04-01. Review status: criteria provided, single submitter. Criteria: Ambry Variant Classification Scheme 2023. Collection method: clinical testing. Allele origin: germline.
Comment: The c.1690_1692dupCTT variant (also known as p.L564dup), located in coding exon 12 of the TRPM4 gene, results from an in-frame duplication of CTT at nucleotide positions 1690 to 1692. This results in the duplication of an extra leucine residue between codons 564 and 565. This variant has been reported in a sudden infant death case; however clinical details were limited and additional cardiac variants were also detected (Campuzano O et al. Forensic Sci Int Genet, 2018 11;37:54-63). This amino acid position is not well conserved in available vertebrate species. In addition, this alteration is predicted to be deleterious by in silico analysis (Choi Y et al. PLoS ONE. 2012; 7(10):e46688). Based on the available evidence, the clinical significance of this variant remains unclear.

Blueprint Genetics
Classification: Likely benign. Last evaluated: 2024-11-15. Review status: criteria provided, single submitter. Criteria: ACMG Guidelines, 2015. Collection method: clinical testing. Allele origin: germline.

Women's Health and Genetics/Laboratory Corporation of America, LabCorp
Classification: Likely benign. Last evaluated: 2024-10-15. Review status: criteria provided, single submitter. Criteria: LabCorp Variant Classification Summary - May 2015. Collection method: clinical testing. Allele origin: germline.
Comment: Variant summary: TRPM4 c.1690_1692dupCTT (p.Leu564dup) results in an in-frame duplication that is predicted to duplicate one amino acids in the encoded protein. The variant allele was found at a frequency of 0.00022 in 251342 control chromosomes (gnomAD). The observed variant frequency is approximately 87-fold of the estimated maximal expected allele frequency for a pathogenic variant in TRPM4 causing Progressive Familial Heart Block Type 1B phenotype (2.5e-06). The variant, c.1690_1692dupCTT, has been reported in the literature in a sudden infant death syndrome (SIDS) case (Campuzano_2018), however no supportive evidence for causality has been provided. This report does not provide unequivocal conclusions about association of the variant with Progressive Familial Heart Block Type 1B. To our knowledge, no experimental evidence demonstrating an impact on protein function has been reported. The following publication have been ascertained in the context of this evaluation (PMID: 30086531). ClinVar contains an entry for this variant (Variation ID: 570406). Based on the evidence outlined above, the variant was classified as likely benign.

GeneDx
Classification: Uncertain significance. Last evaluated: 2023-08-29. Review status: criteria provided, single submitter. Criteria: GeneDx Variant Classification Process June 2021. Collection method: clinical testing. Allele origin: germline. Affected: yes.
Comment: Identified in a patient with Sudden Infant Death syndrome (SIDS) who also harbored the p.(T286A) variant in the TRPM4 gene (Campuzano et al., 2018); In-frame insertion of one amino acid in a non-repeat region; In silico analysis supports a deleterious effect on protein structure/function; This variant is associated with the following publications: (PMID: 30086531)

Breakthrough Genomics
Classification: Uncertain significance. Review status: criteria provided, single submitter. Criteria: ACMG Guidelines, 2015. Collection method: not provided. Allele origin: germline. Inheritance: Autosomal dominant inheritance. Affected: yes.

Literature cited by the submitters: PubMed 30086531 (cited by 3 submitters).